The following is an entry in ClinVar:

NM_177559.3(CSNK2A1):c.254dup (p.Leu85fs)

Gene: CSNK2A1 (casein kinase 2 alpha 1; minus strand). Cytogenetic location: 20p13.
Variant type: Duplication.
Coding change: c.254dup on transcript NM_177559.3 (MANE Select); coding-DNA position 254, one base duplicated (T; older notation c.254dupT).
Protein change: p.Leu85fs; shifts the reading frame from leucine 85.
Molecular consequence: frameshift variant. On other transcripts: 5 prime UTR variant (1).
Genome position (GRCh38, 1-based): chr20:499,894, A duplicated on the plus strand (T on the coding strand, the reverse complement: CSNK2A1 is on the minus strand); the first of 4 consecutive A bases (chr20:499,894-499,897); duplicating any one gives the same sequence. VCF-style (leftmost placement, unchanged base first): chr20-499893-C-CA. GRCh37 (hg19) VCF-style: chr20-480537-C-CA.
Other names: c.254dup, p.Leu85fs (NM_001362770.2, NM_001362771.2, NM_001895.4); c.-155dup (NM_177560.3); short protein forms L85fs.
Identifiers: ClinVar variation 4884221 (VCV004884221.2).

ClinVar aggregate classification (germline): Likely pathogenic (1 of 4 stars; one submission).

Conditions:
Okur-Chung neurodevelopmental syndrome (OCNDS). Identifiers: Orphanet 689422, MedGen C4310739, MONDO:0014893, OMIM 617062.

Submission:

Dasa
Classification: Likely pathogenic for Okur-Chung neurodevelopmental syndrome. Last evaluated: 2025-09-24. Review status: criteria provided, single submitter. Criteria: DASA Assertion Criteria. Collection method: clinical testing. Allele origin: germline.
Comment: NM_177559.3(CSNK2A1):c.254dup (p.Leu85Phefs*30) is a frameshift variant in CSNK2A1 predicted to alter the reading frame and introduce a premature termination codon and is predicted to result in an absent or altered protein product. Loss of function is an established disease mechanism for CSNK2A1-associated disorders. Also, this variant is absent from population databases. Based on the currently available evidence, this variant is classified as likely pathogenic.